The following is an entry in ClinVar:

NM_001036.6(RYR3):c.4524G>A (p.Leu1508=)

Gene: RYR3 (ryanodine receptor 3; plus strand). Cytogenetic location: 15q14.
Variant type: single nucleotide variant.
Coding change: c.4524G>A on transcript NM_001036.6 (MANE Select); coding-DNA position 4524, G replaced by A.
Protein change: p.Leu1508=; no amino-acid change (leucine 1508 retained).
Molecular consequence: synonymous variant.
Genome position (GRCh38, 1-based): chr15:33,660,325, G>A. VCF-style: chr15-33660325-G-A. GRCh37 (hg19) VCF-style: chr15-33952526-G-A.
Other names: c.4524G>A, p.Leu1508= (NM_001243996.4).
Identifiers: ClinVar variation 4872043 (VCV004872043.2).

ClinVar aggregate classification (germline): Likely benign (1 of 4 stars; one submission).

gnomAD v4.1: 9 of 1,590,624 alleles (0.00057%); highest among the groups gnomAD compares: South Asian, 0.0012%; no homozygotes.

Submission:

CeGaT Center for Human Genetics Tuebingen
Classification: Likely benign. Last evaluated: 2026-06-01. Review status: criteria provided, single submitter. Criteria: CeGaT Center For Human Genetics Tuebingen Variant Classification Criteria Version 2. Collection method: clinical testing. Allele origin: germline. Affected: yes. Observed: 1 variant allele.
Comment: RYR3: BP4, BP7